The following is an entry in ClinVar:

ClinVar aggregate classification (germline): Conflicting classifications of pathogenicity. Review status: criteria provided, conflicting classifications (1 of 4 stars). 2 submissions from 2 submitters: Likely pathogenic (1); Uncertain significance (1). Last evaluated 2026-02-01.

Conditions:
6-Pyruvoyl-tetrahydrobiopterin synthase deficiency. Also called: 6-Pyruvoyltetrahydropterin Synthase Deficiency; HYPERPHENYLALANINEMIA, TETRAHYDROBIOPTERIN-DEFICIENT, DUE TO PTS DEFICIENCY; PTS-Related Tetrahydrobiopterin Deficiency; Hyperphenylalanemia, BH4-deficient, A; Hyperphenylalaninemia due to 6-pyruvoyl-tetrahydropterin synthase deficiency; PTS DEFICIENCY. Identifiers: Orphanet 13, Orphanet 238583, MedGen C0878676, MONDO:0009863, OMIM 261640.

Allele frequency attached by ClinVar (database versions not stated): gnomAD exomes 0.00001; TOPMed 0.00002.
gnomAD v4.1: 8 of 1,583,216 alleles (0.00051%); highest among the groups gnomAD compares: Non-Finnish European, 0.00069%; no homozygotes.

Submissions (2):

CeGaT Center for Human Genetics Tuebingen
Classification: Uncertain significance. Last evaluated: 2026-02-01. Review status: criteria provided, single submitter. Criteria: CeGaT Center For Human Genetics Tuebingen Variant Classification Criteria Version 2. Collection method: clinical testing. Allele origin: germline. Affected: yes. Observed: 1 variant allele.
Comment: PTS: PM1, PM2

Institute of Human Genetics, University of Leipzig Medical Center
Classification: Likely pathogenic for 6-Pyruvoyl-tetrahydrobiopterin synthase deficiency. Last evaluated: 2024-03-04. Review status: criteria provided, single submitter. Criteria: ACMG Guidelines, 2015. Collection method: clinical testing. Allele origin: paternal. Inheritance: Autosomal recessive inheritance. Affected: yes.
Comment: Criteria applied: PM1_SUP,PM3,PM2_SUP,PP3,PP4

NM_000317.3(PTS):c.71A>C (p.His24Pro)

Genes: PTS (6-pyruvoyltetrahydropterin synthase; plus strand), LOC130006765 (ATAC-STARR-seq lymphoblastoid silent region 3906; plus strand). Cytogenetic location: 11q23.1.
Variant type: single nucleotide variant.
Coding change: c.71A>C on transcript NM_000317.3 (MANE Select); coding-DNA position 71, A replaced by C.
Protein change: p.His24Pro; replaces histidine 24 with proline.
Molecular consequence: missense variant.
Genome position (GRCh38, 1-based): chr11:112,226,514, A>C. VCF-style: chr11-112226514-A-C. GRCh37 (hg19) VCF-style: chr11-112097237-A-C.
Other names: short protein forms H24P.
Identifiers: ClinVar variation 3068470 (VCV003068470.7), dbSNP rs1474586656, ClinGen allele CA382626547.
Genomic context (GRCh38, chr11:112,226,514, plus strand): 5'-AAGGTGGTGGCCGTCGCTGCCAGGCACAAGTGTCCCGCCGCATCTCCTTCAGCGCGAGCC[A>C]CCGATTGTACAGGTAGGGTGTGCACACAGGTACAGCGGCGGGCGGTGGGCGCCGGGCCCC-3'
Protein context (NP_000308.1, residues 14-34): VSRRISFSAS[His24Pro]RLYSKFLSDE